The following is an entry in ClinVar:

ClinVar aggregate classification (germline): Uncertain significance. Review status: criteria provided, multiple submitters, no conflicts (2 of 4 stars). 3 submissions from 3 submitters: Uncertain significance (3). Last evaluated 2026-01-29.

Conditions:
Developmental and epileptic encephalopathy, 42 (DEE42A). Also called: DEVELOPMENTAL AND EPILEPTIC ENCEPHALOPATHY 42A; EPILEPTIC ENCEPHALOPATHY, EARLY INFANTILE, 42A; Epileptic encephalopathy, early infantile, 42. Identifiers: MedGen C4310716, MONDO:0014917, OMIM 617106.
Episodic ataxia type 2 (EA2). Also called: ACETAZOLAMIDE-RESPONSIVE HEREDITARY PAROXYSMAL CEREBELLAR ATAXIA; CEREBELLAR ATAXIA, PAROXYSMAL, ACETAZOLAMIDE-RESPONSIVE; CEREBELLOPATHY, HEREDITARY PAROXYSMAL; EPISODIC ATAXIA, NYSTAGMUS-ASSOCIATED; ATAXIA, EPISODIC, WITH NYSTAGMUS; ATAXIA, FAMILIAL PAROXYSMAL. Identifiers: Orphanet 97, MedGen C1720416, MONDO:0007163, OMIM 108500.

Submissions (3):

GeneDx
Classification: Uncertain significance. Last evaluated: 2026-01-29. Review status: criteria provided, single submitter. Criteria: GeneDx Variant Classification Process June 2021. Collection method: clinical testing. Allele origin: germline. Affected: yes.
Comment: Not observed at significant frequency in large population cohorts (gnomAD); In silico analysis supports that this missense variant has a deleterious effect on protein structure/function; Has not been previously published as pathogenic or benign to our knowledge

Labcorp Genetics (formerly Invitae), Labcorp
Classification: Uncertain significance for Developmental and epileptic encephalopathy, 42; Episodic ataxia type 2. Last evaluated: 2024-10-02. Review status: criteria provided, single submitter. Criteria: Invitae Variant Classification Sherloc (09022015). Collection method: clinical testing. Allele origin: germline.
Comment: This sequence change replaces proline, which is neutral and non-polar, with serine, which is neutral and polar, at codon 42 of the CACNA1A protein (p.Pro42Ser). This variant is not present in population databases (gnomAD no frequency). This variant has not been reported in the literature in individuals affected with CACNA1A-related conditions. ClinVar contains an entry for this variant (Variation ID: 1693368). Invitae Evidence Modeling of protein sequence and biophysical properties (such as structural, functional, and spatial information, amino acid conservation, physicochemical variation, residue mobility, and thermodynamic stability) has been performed for this missense variant. However, the output from this modeling did not meet the statistical confidence thresholds required to predict the impact of this variant on CACNA1A protein function. In summary, the available evidence is currently insufficient to determine the role of this variant in disease. Therefore, it has been classified as a Variant of Uncertain Significance.

Baylor Genetics
Classification: Uncertain significance for Developmental and epileptic encephalopathy, 42. Last evaluated: 2022-09-01. Review status: criteria provided, single submitter. Criteria: ACMG Guidelines, 2015. Collection method: clinical testing. Allele origin: unknown.

NM_001127222.2(CACNA1A):c.124C>T (p.Pro42Ser)

Gene: CACNA1A (calcium voltage-gated channel subunit alpha1 A; minus strand). Cytogenetic location: 19p13.13.
Variant type: single nucleotide variant.
Coding change: c.124C>T on transcript NM_001127222.2 (MANE Select); coding-DNA position 124, C replaced by T.
Protein change: p.Pro42Ser; replaces proline 42 with serine.
Molecular consequence: missense variant.
Genome position (GRCh38, 1-based): chr19:13,506,101, G>A on the plus strand (C>T on the coding strand, the complement: CACNA1A is on the minus strand). VCF-style: chr19-13506101-G-A. GRCh37 (hg19) VCF-style: chr19-13616915-G-A.
Other names: c.124C>T, p.Pro42Ser (NM_000068.4, NM_001127221.2, NM_001174080.2 and 1 more transcripts); short protein forms P42S.
Identifiers: ClinVar variation 1693368 (VCV001693368.6), dbSNP rs2145192584, ClinGen allele CA404971161.